The following is an entry in ClinVar:

ClinVar aggregate classification (germline): Likely pathogenic (1 of 4 stars; one submission).

Submission:

Quest Diagnostics Nichols Institute San Juan Capistrano
Classification: Likely pathogenic. Last evaluated: 2024-12-18. Review status: criteria provided, single submitter. Criteria: ACMG/ClinGen CNV Guidelines, 2019. Collection method: clinical testing. Allele origin: unknown.
Comment: This copy number loss of 22q11.21 extends from low copy number repeats (LCRs) B to D and has been defined as central 22q11.2 deletion syndrome. Individuals with this central 22q11.2 deletion have variable phenotypes (Burnside 2015), even within families. Additionally, a proportion of these deletions are inherited from an unaffected parent, suggesting incomplete penetrance. CRKL has been proposed as a gene of interest (Breckpot 2012, Lopez-Rivera 2017, Racedo 2015). There are two similar and multiple smaller copy number losses overlapping this interval in the general populations of the Database of Genomic Variants. Thus, this copy number loss is best described as a susceptibility locus with variable phenotypic expressivity and incomplete penetrance and is interpreted as likely pathogenic. References: Breckpot et al., Am J Med Genet A. 2012 Mar;158A(3):574-80. PMID: 22318985 Burnside et al., Cytogenet Genome Res. 2015;146(2):89-99. PMID: 26278718 Lopez-Rivera et al., N Engl J Med. 2017 Feb 23;376(8):742-754. PMID: 28121514 Racedo et al., Am J Hum Genet. 2015 Feb 5;96(2):235-44. PMID: 25658046

GRCh37/hg19 22q11.21(chr22:20716876-21798907)x1

Genes: AIFM3 (AIF family member 3; plus strand), CRKL (CRK like proto-oncogene, adaptor protein; plus strand), GGT2 (gamma-glutamyltransferase 2; minus strand), HIC2 (HIC ZBTB transcriptional repressor 2; plus strand), KLHL22 (kelch like family member 22; minus strand) and 12 more. Cytogenetic location: 22q11.21.
Variant type: copy number loss.
Change: copy number 1 (one copy instead of two) of chr22:20,716,876-21,798,907 (1.08 Mb, GRCh37 coordinates, 1-based), cytogenetic band 22q11.21.
Identifiers: ClinVar variation 565014 (VCV000565014.4).